The following is an entry in ClinVar:

NM_002528.7(NTHL1):c.527G>C (p.Ser176Thr)

Gene: NTHL1 (nth like DNA glycosylase 1; minus strand). Cytogenetic location: 16p13.3.
Variant type: single nucleotide variant.
Coding change: c.527G>C on transcript NM_002528.7 (MANE Select); coding-DNA position 527, G replaced by C.
Protein change: p.Ser176Thr; replaces serine 176 with threonine.
Molecular consequence: missense variant.
Genome position (GRCh38, 1-based): chr16:2,043,725, C>G on the plus strand (G>C on the coding strand, the complement: NTHL1 is on the minus strand). VCF-style: chr16-2043725-C-G. GRCh37 (hg19) VCF-style: chr16-2093726-C-G.
Other names: c.356G>C, p.Ser119Thr (NM_001318193.2); c.197G>C, p.Ser66Thr (NM_001318194.2); short protein forms S176T, S66T, S119T.
Identifiers: ClinVar variation 4736206 (VCV004736206.1).

ClinVar aggregate classification (germline): Uncertain significance (1 of 4 stars; one submission).

Submission:

Labcorp Genetics (formerly Invitae), Labcorp
Classification: Uncertain significance. Last evaluated: 2026-01-26. Review status: criteria provided, single submitter. Criteria: Invitae Variant Classification Sherloc (09022015). Collection method: clinical testing. Allele origin: germline.
Comment: This sequence change replaces serine, which is neutral and polar, with threonine, which is neutral and polar, at codon 184 of the NTHL1 protein (p.Ser184Thr). This variant is not present in population databases (gnomAD no frequency). This variant has not been reported in the literature in individuals affected with NTHL1-related conditions. An algorithm developed to predict the effect of missense changes on protein structure and function outputs the following: PolyPhen-2: "Benign". The threonine amino acid residue is found in multiple mammalian species, which suggests that this missense change does not adversely affect protein function. In summary, the available evidence is currently insufficient to determine the role of this variant in disease. Therefore, it has been classified as a Variant of Uncertain Significance.